The following is an entry in ClinVar:

ClinVar aggregate classification (germline): Uncertain significance. Review status: criteria provided, multiple submitters, no conflicts (2 of 4 stars). 2 submissions from 2 submitters: Uncertain significance (2). Last evaluated 2019-09-24.

Conditions:
Inborn genetic diseases. Identifiers: MedGen C0950123, MeSH D030342.
Hereditary spastic paraplegia 11. Also called: SPASTIC PARAPLEGIA, AUTOSOMAL RECESSIVE, COMPLICATED, WITH THIN CORPUS CALLOSUM; SPASTIC PARAPLEGIA, AUTOSOMAL RECESSIVE, WITH MENTAL IMPAIRMENT AND THIN CORPUS CALLOSUM; Spastic paraplegia, mental retardation and thin corpus callosum; Nakamura Osame syndrome; Autosomal recessive hereditary spastic paraplegia, mental impairment, and thin corpus callosum; Spastic Paraplegia 11. Identifiers: Orphanet 2822, MedGen C1858479, MONDO:0011445, OMIM 604360.

Allele frequency attached by ClinVar (database versions not stated): gnomAD exomes below 0.00001 and 0.00001; ExAC 0.00001.
gnomAD v4.1: 3 of 1,614,018 alleles (0.00019%); highest among the groups gnomAD compares: Non-Finnish European, 0.00025%; no homozygotes.

Submissions (2):

Ambry Genetics
Classification: Uncertain significance for Inborn genetic diseases. Last evaluated: 2019-09-24. Review status: criteria provided, single submitter. Criteria: Ambry Variant Classification Scheme 2023. Collection method: clinical testing. Allele origin: germline.
Comment: The p.Q904E variant (also known as c.2710C>G), located in coding exon 15 of the SPG11 gene, results from a C to G substitution at nucleotide position 2710. The glutamine at codon 904 is replaced by glutamic acid, an amino acid with highly similar properties. This amino acid position is well conserved in available vertebrate species. In addition, this alteration is predicted to be tolerated by in silico analysis. Since supporting evidence is limited at this time, the clinical significance of this alteration remains unclear.

Labcorp Genetics (formerly Invitae), Labcorp
Classification: Uncertain significance for Hereditary spastic paraplegia 11. Last evaluated: 2019-07-28. Review status: criteria provided, single submitter. Criteria: Invitae Variant Classification Sherloc (09022015). Collection method: clinical testing. Allele origin: germline.
Comment: In summary, the available evidence is currently insufficient to determine the role of this variant in disease. Therefore, it has been classified as a Variant of Uncertain Significance. Algorithms developed to predict the effect of missense changes on protein structure and function (SIFT, PolyPhen-2, Align-GVGD) all suggest that this variant is likely to be tolerated, but these predictions have not been confirmed by published functional studies and their clinical significance is uncertain. This variant has not been reported in the literature in individuals with SPG11-related conditions. This variant is present in population databases (rs760517153, ExAC 0.001%). This sequence change replaces glutamine with glutamic acid at codon 904 of the SPG11 protein (p.Gln904Glu). The glutamine residue is moderately conserved and there is a small physicochemical difference between glutamine and glutamic acid.

NM_025137.4(SPG11):c.2710C>G (p.Gln904Glu)

Gene: SPG11 (SPG11 vesicle trafficking associated, spatacsin; minus strand). Cytogenetic location: 15q21.1.
Variant type: single nucleotide variant.
Coding change: c.2710C>G on transcript NM_025137.4 (MANE Select); coding-DNA position 2710, C replaced by G.
Protein change: p.Gln904Glu; replaces glutamine 904 with glutamic acid.
Molecular consequence: missense variant.
Genome position (GRCh38, 1-based): chr15:44,620,314, G>C on the plus strand (C>G on the coding strand, the complement: SPG11 is on the minus strand). VCF-style: chr15-44620314-G-C. GRCh37 (hg19) VCF-style: chr15-44912512-G-C.
Other names: c.2710C>G, p.Gln904Glu (NM_001160227.2); short protein forms Q904E.
Identifiers: ClinVar variation 941224 (VCV000941224.11), dbSNP rs760517153, ClinGen allele CA7535158.
Genomic context (GRCh38, chr15:44,620,314, plus strand): 5'-CATCAACAGTCAGAAGGGGCCATTTGTTCTGCTGAAGTGAAGCATAACTATGCTGGGTTT[G>C]AAATTCTCCAATCCATAAGATAATGTTTAACCAATCATGGCGAGCTGTGAGGTATCTCCA-3'
Protein context (NP_079413.3, residues 894-914): LNIILWIGEF[Gln904Glu]TQHSYASLQQ